The following is an entry in ClinVar:

ClinVar aggregate classification (germline): Pathogenic. Review status: criteria provided, multiple submitters, no conflicts (2 of 4 stars). 2 submissions from 2 submitters: Pathogenic (2). Last evaluated 2026-05-29.

Conditions:
Colorectal cancer, hereditary nonpolyposis, type 7. Identifiers: Orphanet 144, MedGen C1858380, MONDO:0013725, OMIM 614385.

Submissions (2):

Ambry Genetics
Classification: Pathogenic. Last evaluated: 2026-05-29. Review status: criteria provided, single submitter. Criteria: Ambry Variant Classification Scheme 2023. Collection method: clinical testing. Allele origin: germline.
Comment: The c.2983_2986delATAG pathogenic mutation, located in coding exon 1 of the MLH3 gene, results from a deletion of 4 nucleotides at nucleotide positions 2983 to 2986, causing a translational frameshift with a predicted alternate stop codon (p.I995Efs*10). This variant is considered to be rare based on population cohorts in the Genome Aggregation Database (gnomAD). This alteration is expected to result in loss of function by premature protein truncation or nonsense-mediated mRNA decay. As such, this alteration is interpreted as a disease-causing mutation.

Myriad Genetics, Inc.
Classification: Pathogenic for Colorectal cancer, hereditary nonpolyposis, type 7. Last evaluated: 2026-04-30. Review status: criteria provided, single submitter. Criteria: Myriad Autosomal Dominant, Autosomal Recessive and X-Linked Classification Criteria (2023). Collection method: clinical testing. Allele origin: unknown.
Comment: This variant is considered pathogenic. This variant creates a frameshift predicted to result in premature protein truncation.

NM_001040108.2(MLH3):c.2983_2986del (p.Ile995fs)

Gene: MLH3 (mutL homolog 3; minus strand). Cytogenetic location: 14q24.3.
Variant type: Deletion.
Coding change: c.2983_2986del on transcript NM_001040108.2 (MANE Select); coding-DNA positions 2983 to 2986, 4 bases deleted (ATAG; older notation c.2983_2986delATAG).
Protein change: p.Ile995fs; shifts the reading frame from isoleucine 995.
Molecular consequence: frameshift variant.
Genome position (GRCh38, 1-based): chr14:75,046,670-75,046,673, CTAT deleted on the plus strand (ATAG on the coding strand, the reverse complement: MLH3 is on the minus strand); deleting any 4 consecutive bases within chr14:75,046,670-75,046,675 gives the same sequence; the c. name uses the placement nearest the transcript's 3' end. VCF-style (leftmost placement, unchanged base first): chr14-75046669-CCTAT-C. GRCh37 (hg19) VCF-style: chr14-75513372-CCTAT-C.
Other names: c.2983_2986del, p.Ile995fs (NM_014381.3); c.2983_2986delATAG (NM_001040108.1); short protein forms I995fs.
Identifiers: ClinVar variation 3232513 (VCV003232513.3), dbSNP rs1892249295, ClinGen allele CA964771166.